The following is an entry in ClinVar:

ClinVar aggregate classification (germline): Uncertain significance (1 of 4 stars; one submission).

Allele frequency attached by ClinVar (database versions not stated): ExAC 0.00001.

Submission:

Labcorp Genetics (formerly Invitae), Labcorp
Classification: Uncertain significance. Last evaluated: 2024-03-12. Review status: criteria provided, single submitter. Criteria: Invitae Variant Classification Sherloc (09022015). Collection method: clinical testing. Allele origin: germline.
Comment: This sequence change replaces glycine, which is neutral and non-polar, with arginine, which is basic and polar, at codon 307 of the OR2W3 protein (p.Gly307Arg). The frequency data for this variant in the population databases is considered unreliable, as metrics indicate poor data quality at this position in the gnomAD database. This variant has not been reported in the literature in individuals affected with OR2W3-related conditions. ClinVar contains an entry for this variant (Variation ID: 1524754). Experimental studies and prediction algorithms are not available or were not evaluated, and the functional significance of this variant is currently unknown. In summary, the available evidence is currently insufficient to determine the role of this variant in disease. Therefore, it has been classified as a Variant of Uncertain Significance.

NM_001001957.2(OR2W3):c.919G>C (p.Gly307Arg)

Gene: OR2W3 (olfactory receptor family 2 subfamily W member 3; plus strand). Cytogenetic location: 1q44.
Variant type: single nucleotide variant.
Coding change: c.919G>C on transcript NM_001001957.2 (MANE Select); coding-DNA position 919, G replaced by C.
Protein change: p.Gly307Arg; replaces glycine 307 with arginine.
Molecular consequence: missense variant.
Genome position (GRCh38, 1-based): chr1:247,896,505, G>C. VCF-style: chr1-247896505-G-C. GRCh37 (hg19) VCF-style: chr1-248059807-G-C.
Other names: short protein forms G307R.
Identifiers: ClinVar variation 1524754 (VCV001524754.6), dbSNP rs771134743, ClinGen allele CA1498721.
Genomic context (GRCh38, chr1:247,896,505, plus strand): 5'-CCTCTCATCTACACCCTCAGAAACAGAGAGGTGAAGGGGGCACTGGGAAGGTTGCTTCTG[G>C]GGAAGAGAGAGCTAGGAAAGGAGTAAAGGCATCTCCACCTGACTTCACTTCCATCCAGGG-3'
Protein context (NP_001001957.2, residues 297-314): VKGALGRLLL[Gly307Arg]KRELGKE